The following is an entry in ClinVar:

ClinVar aggregate classification (germline): Pathogenic (1 of 4 stars; one submission).

Conditions:
Proteosome-associated autoinflammatory syndrome. Also called: Proteasome-associated autoinflammatory syndrome. Identifiers: Orphanet 324977, MedGen C1850568, MONDO:0009726.

Submission:

Labcorp Genetics (formerly Invitae), Labcorp
Classification: Pathogenic for Proteosome-associated autoinflammatory syndrome. Last evaluated: 2024-04-22. Review status: criteria provided, single submitter. Criteria: Invitae Variant Classification Sherloc (09022015). Collection method: clinical testing. Allele origin: germline.
Comment: This sequence change creates a premature translational stop signal (p.Arg145Leufs*14) in the PSMB8 gene. It is expected to result in an absent or disrupted protein product. Loss-of-function variants in PSMB8 are known to be pathogenic (PMID: 26524591). This variant is not present in population databases (gnomAD no frequency). This variant has not been reported in the literature in individuals affected with PSMB8-related conditions. For these reasons, this variant has been classified as Pathogenic.

Literature cited by the submitters: PubMed 26524591.

NM_148919.4(PSMB8):c.434del (p.Arg145fs)

Gene: PSMB8 (proteasome 20S subunit beta 8; minus strand). Cytogenetic location: 6p21.32.
Variant type: Deletion.
Coding change: c.434del on transcript NM_148919.4 (MANE Select); coding-DNA position 434, one base deleted (G; older notation c.434delG).
Protein change: p.Arg145fs; shifts the reading frame from arginine 145.
Molecular consequence: frameshift variant.
Genome position (GRCh38, 1-based): chr6:32,842,237, C deleted on the plus strand (G on the coding strand, the reverse complement: PSMB8 is on the minus strand). VCF-style (leftmost placement, unchanged base first): chr6-32842236-AC-A. GRCh37 (hg19) VCF-style: chr6-32810013-AC-A.
Other names: c.422del, p.Arg141fs (NM_004159.5); short protein forms R141fs, R145fs.
Identifiers: ClinVar variation 3712942 (VCV003712942.2).
Genomic context (GRCh38, chr6:32,842,236, plus strand): 5'-CATGCCCCGGTACTGGCACATCATGTTGGACAGCAGCTTGGAGGCTGCCGACACTGAAAT[AC>A]GTTCTCCATTTCGCAGATAGTACAGCCTGGGTGAGGACAAGGTGGAGTGAGGAAAGAGAG-3'